The following is an entry in ClinVar:

ClinVar aggregate classification (germline): Benign. Review status: criteria provided, multiple submitters, no conflicts (2 of 4 stars). 4 submissions from 4 submitters: Benign (3). 1 of the submissions does not count toward it. Last evaluated 2026-02-02.

Conditions:
Congenital hyperammonemia, type I. Also called: CPS I DEFICIENCY; Carbamoyl phosphate synthetase 1 deficiency; Hyperammonemia due to carbamoyl phosphate synthetase 1 deficiency; CPS 1 deficiency; Carbamyl phosphate synthetase (CPS) deficiency; Carbamoyl phosphate synthetase I deficiency disease. Identifiers: Orphanet 147, MedGen C4082171, MONDO:0009376, OMIM 237300.

Allele frequency attached by ClinVar (database versions not stated): gnomAD exomes 0.00075 and 0.00217; ExAC 0.00293; gnomAD 0.00803 and 0.00860; 1000 Genomes Project 0.00859; TOPMed 0.00901; 1000 Genomes Project 30x 0.00921; ESP Exome Variant Server 0.01061.
gnomAD v4.1: 2,307 of 1,582,462 alleles (0.15%); highest among the groups gnomAD compares: African/African-American, 2.8%; 28 homozygotes.

Submissions (4):

Labcorp Genetics (formerly Invitae), Labcorp
Classification: Benign for Congenital hyperammonemia, type I. Last evaluated: 2026-02-02. Review status: criteria provided, single submitter. Criteria: Invitae Variant Classification Sherloc (09022015). Collection method: clinical testing. Allele origin: germline.

Illumina Laboratory Services, Illumina
Classification: Benign for Congenital hyperammonemia, type I. Last evaluated: 2018-01-13. Review status: criteria provided, single submitter. Criteria: ICSL Variant Classification Criteria 13 December 2019. Collection method: clinical testing. Allele origin: germline.
Comment: This variant was observed in the ICSL laboratory as part of a predisposition screen in an ostensibly healthy population. It had not been previously curated by ICSL or reported in the Human Gene Mutation Database (HGMD: prior to June 1st, 2018), and was therefore a candidate for classification through an automated scoring system. Utilizing variant allele frequency, disease prevalence and penetrance estimates, and inheritance mode, an automated score was calculated to assess if this variant is too frequent to cause the disease. Based on the score and internal cut-off values, a variant classified as benign is not then subjected to further curation. The score for this variant resulted in a classification of benign for this disease.

GeneDx
Classification: Benign. Last evaluated: 2016-02-24. Review status: criteria provided, single submitter. Criteria: GeneDx Variant Classification (06012015). Collection method: clinical testing. Allele origin: germline. Affected: yes.
Comment: This variant is considered likely benign or benign based on one or more of the following criteria: it is a conservative change, it occurs at a poorly conserved position in the protein, it is predicted to be benign by multiple in silico algorithms, and/or has population frequency not consistent with disease.

Natera, Inc.
Classification: Benign for Carbamoyl-phosphate synthase I deficiency. Last evaluated: 2020-09-16. Review status: no assertion criteria provided. Collection method: clinical testing. Allele origin: germline. Not counted in ClinVar's aggregate classification.

NM_001875.5(CPS1):c.1359+7G>A

Gene: CPS1 (carbamoyl-phosphate synthase 1; plus strand). Cytogenetic location: 2q34.
Variant type: single nucleotide variant.
Coding change: c.1359+7G>A on transcript NM_001875.5 (MANE Select); 7 bases into the intron after coding-DNA position 1359, G replaced by A.
Molecular consequence: intron variant.
Genome position (GRCh38, 1-based): chr2:210,595,589, G>A. VCF-style: chr2-210595589-G-A. GRCh37 (hg19) VCF-style: chr2-211460313-G-A.
Other names: c.1359+7G>A (LRG_336t1, NM_001369257.1, NM_001122633.3); c.1392+7G>A (NM_001369256.1).
Identifiers: ClinVar variation 334022 (VCV000334022.17), dbSNP rs16844647, ClinGen allele CA2086335.